The following is an entry in ClinVar:

ClinVar aggregate classification (germline): Uncertain significance (1 of 4 stars; one submission).

Submission:

Labcorp Genetics (formerly Invitae), Labcorp
Classification: Uncertain significance. Last evaluated: 2024-09-12. Review status: criteria provided, single submitter. Criteria: Invitae Variant Classification Sherloc (09022015). Collection method: clinical testing. Allele origin: germline.
Comment: This variant, c.2376_2381dup, results in the insertion of 2 amino acid(s) of the AMER1 protein (p.Asp793_Ser794dup), but otherwise preserves the integrity of the reading frame. This variant is not present in population databases (gnomAD no frequency). This variant has not been reported in the literature in individuals affected with AMER1-related conditions. In summary, the available evidence is currently insufficient to determine the role of this variant in disease. Therefore, it has been classified as a Variant of Uncertain Significance.

NM_152424.4(AMER1):c.2370TGACTC[3] (p.Ser794_Ser795insAspSer)

Gene: AMER1 (APC membrane recruitment protein 1; minus strand). Cytogenetic location: Xq11.2.
Variant type: Microsatellite.
Coding change: c.2370TGACTC[3] on transcript NM_152424.4 (MANE Select); three copies in a row of the 6-base unit TGACTC starting at c.2370; the reference has two copies in a row; one copy, 6 bases duplicated.
Protein change: p.Ser794_Ser795insAspSer.
Genome position (GRCh38, 1-based): chrX:64,190,906-64,190,911, GAGTCA duplicated on the plus strand (TGACTC on the coding strand, the reverse complement: AMER1 is on the minus strand); duplicating any 6 consecutive bases within chrX:64,190,906-64,190,920 gives the same sequence; the position shown is the placement nearest the transcript's 3' end. VCF-style (leftmost placement, unchanged base first): chrX-64190905-T-TGAGTCA. GRCh37 (hg19) VCF-style: chrX-63410785-T-TGAGTCA.
Identifiers: ClinVar variation 3700575 (VCV003700575.2).